The following is an entry in ClinVar:

NM_172107.4(KCNQ2):c.1504G>T (p.Ala502Ser)

Gene: KCNQ2 (potassium voltage-gated channel subfamily Q member 2; minus strand). Cytogenetic location: 20q13.33.
Variant type: single nucleotide variant.
Coding change: c.1504G>T on transcript NM_172107.4 (MANE Select); coding-DNA position 1504, G replaced by T.
Protein change: p.Ala502Ser; replaces alanine 502 with serine.
Molecular consequence: missense variant.
Genome position (GRCh38, 1-based): chr20:63,414,924, C>A on the plus strand (G>T on the coding strand, the complement: KCNQ2 is on the minus strand). VCF-style: chr20-63414924-C-A. GRCh37 (hg19) VCF-style: chr20-62046277-C-A.
Other names: c.1420G>T, p.Ala474Ser (NM_004518.6); c.1450G>T, p.Ala484Ser (NM_172106.3); c.1414G>T, p.Ala472Ser (NM_172108.5); short protein forms A502S, A472S, A484S, A474S.
Identifiers: ClinVar variation 530467 (VCV000530467.9), dbSNP rs540103798, ClinGen allele CA409646147.

ClinVar aggregate classification (germline): Uncertain significance (1 of 4 stars; one submission).

Conditions:
Early-infantile DEE. Also called: Ohtahara syndrome; Early infantile epileptic encephalopathy with suppression bursts; Early infantile epileptic encephalopathy. Identifiers: Orphanet 1934, MedGen C0393706, MONDO:0800491.

Submission:

Labcorp Genetics (formerly Invitae), Labcorp
Classification: Uncertain significance for Early-infantile DEE. Last evaluated: 2022-10-18. Review status: criteria provided, single submitter. Criteria: Invitae Variant Classification Sherloc (09022015). Collection method: clinical testing. Allele origin: germline.
Comment: This sequence change replaces alanine, which is neutral and non-polar, with serine, which is neutral and polar, at codon 502 of the KCNQ2 protein (p.Ala502Ser). This variant is not present in population databases (gnomAD no frequency). This variant has not been reported in the literature in individuals affected with KCNQ2-related conditions. ClinVar contains an entry for this variant (Variation ID: 530467). Algorithms developed to predict the effect of missense changes on protein structure and function (SIFT, PolyPhen-2, Align-GVGD) all suggest that this variant is likely to be tolerated. In summary, the available evidence is currently insufficient to determine the role of this variant in disease. Therefore, it has been classified as a Variant of Uncertain Significance.